The following is an entry in ClinVar:

ClinVar aggregate classification (germline): Conflicting classifications of pathogenicity. Review status: criteria provided, conflicting classifications (1 of 4 stars). 6 submissions from 6 submitters: Uncertain significance (3); Benign (1); Likely benign (1). 1 of the submissions does not count toward it. Last evaluated 2026-01-26.

Conditions:
Nemaline myopathy 2 (NEM2). Also called: Nemaline myopathy 2, autosomal recessive. Identifiers: MedGen C1850569, MONDO:0009725, OMIM 256030.
Arthrogryposis multiplex congenita 6. Identifiers: MedGen C5543431, MONDO:0030281, OMIM 619334.
NEB-related disorder. Also called: NEB-related condition; NEB-Related Disorders.

Allele frequency attached by ClinVar (database versions not stated): gnomAD 0.00007 and 0.00015; TOPMed 0.00012; gnomAD exomes 0.00018 and 0.00020; 1000 Genomes Project 0.00020; ExAC 0.00020; 1000 Genomes Project 30x 0.00062.
gnomAD v4.1: 296 of 1,613,834 alleles (0.018%); highest among the groups gnomAD compares: East Asian, 0.51%; 2 homozygotes.

Submissions (6):

Labcorp Genetics (formerly Invitae), Labcorp
Classification: Benign for Nemaline myopathy 2. Last evaluated: 2026-01-26. Review status: criteria provided, single submitter. Criteria: Invitae Variant Classification Sherloc (09022015). Collection method: clinical testing. Allele origin: germline.

Blueprint Genetics
Classification: Uncertain significance. Last evaluated: 2024-11-25. Review status: criteria provided, single submitter. Criteria: ACMG Guidelines, 2015. Collection method: clinical testing. Allele origin: germline.

Department of Pathology and Laboratory Medicine, Sinai Health System
Classification: Uncertain significance for Nemaline myopathy 2; Arthrogryposis multiplex congenita 6. Last evaluated: 2021-11-02. Review status: criteria provided, single submitter. Criteria: ACMG Guidelines, 2015. Collection method: research. Allele origin: germline.

GeneDx
Classification: Likely benign. Last evaluated: 2019-12-26. Review status: criteria provided, single submitter. Criteria: GeneDx Variant Classification Process June 2021. Collection method: clinical testing. Allele origin: germline. Affected: yes.
Comment: In silico analysis, which includes protein predictors and evolutionary conservation, supports that this variant does not alter protein structure/function; Has not been previously published as pathogenic or benign to our knowledge

Illumina Laboratory Services, Illumina
Classification: Uncertain significance for Nemaline myopathy 2. Last evaluated: 2017-04-27. Review status: criteria provided, single submitter. Criteria: ICSL Variant Classification Criteria 13 December 2019. Collection method: clinical testing. Allele origin: germline.

PreventionGenetics, part of Exact Sciences
Classification: Likely benign for NEB-related condition. Last evaluated: 2022-03-21. Review status: no assertion criteria provided. Collection method: clinical testing. Allele origin: germline. Not counted in ClinVar's aggregate classification.
Comment: This variant is classified as likely benign based on ACMG/AMP sequence variant interpretation guidelines (Richards et al. 2015 PMID: 25741868, with internal and published modifications).

NM_001164508.2(NEB):c.5565C>A (p.Asp1855Glu)

Gene: NEB (nebulin; minus strand). Cytogenetic location: 2q23.3.
Variant type: single nucleotide variant.
Coding change: c.5565C>A on transcript NM_001164508.2 (MANE Select); coding-DNA position 5565, C replaced by A.
Protein change: p.Asp1855Glu; replaces aspartic acid 1855 with glutamic acid.
Molecular consequence: missense variant.
Genome position (GRCh38, 1-based): chr2:151,663,746, G>T on the plus strand (C>A on the coding strand, the complement: NEB is on the minus strand). VCF-style: chr2-151663746-G-T. GRCh37 (hg19) VCF-style: chr2-152520260-G-T.
Other names: c.5565C>A, p.Asp1855Glu (NM_001164507.2, NM_001271208.2, NM_004543.5); short protein forms D1855E.
Identifiers: ClinVar variation 894106 (VCV000894106.15), dbSNP rs200468391, ClinGen allele CA1910339.